The following is an entry in ClinVar:

ClinVar aggregate classification (germline): Uncertain significance (1 of 4 stars; one submission).

Allele frequency attached by ClinVar (database versions not stated): gnomAD exomes 0.00001.
gnomAD v4.1: 5 of 1,613,102 alleles (0.00031%); highest among the groups gnomAD compares: African/African-American, 0.004%; no homozygotes.

Submission:

Labcorp Genetics (formerly Invitae), Labcorp
Classification: Uncertain significance. Last evaluated: 2022-08-22. Review status: criteria provided, single submitter. Criteria: Invitae Variant Classification Sherloc (09022015). Collection method: clinical testing. Allele origin: germline.
Comment: This sequence change replaces leucine, which is neutral and non-polar, with proline, which is neutral and non-polar, at codon 105 of the LYN protein (p.Leu105Pro). This variant is not present in population databases (gnomAD no frequency). This variant has not been reported in the literature in individuals affected with LYN-related conditions. In summary, the available evidence is currently insufficient to determine the role of this variant in disease. Therefore, it has been classified as a Variant of Uncertain Significance. Algorithms developed to predict the effect of missense changes on protein structure and function (SIFT, PolyPhen-2, Align-GVGD) all suggest that this variant is likely to be disruptive.

NM_002350.4(LYN):c.314T>C (p.Leu105Pro)

Gene: LYN (LYN proto-oncogene, Src family tyrosine kinase; plus strand). Cytogenetic location: 8q12.1.
Variant type: single nucleotide variant.
Coding change: c.314T>C on transcript NM_002350.4 (MANE Select); coding-DNA position 314, T replaced by C.
Protein change: p.Leu105Pro; replaces leucine 105 with proline.
Molecular consequence: missense variant.
Genome position (GRCh38, 1-based): chr8:55,950,488, T>C. VCF-style: chr8-55950488-T-C. GRCh37 (hg19) VCF-style: chr8-56863047-T-C.
Other names: c.251T>C, p.Leu84Pro (NM_001111097.3); short protein forms L105P, L84P.
Identifiers: ClinVar variation 2186710 (VCV002186710.4), dbSNP rs2487512607, ClinGen allele CA371279799.